The following is an entry in ClinVar:

NM_002227.4(JAK1):c.1607T>A (p.Ile536Asn)

Gene: JAK1 (Janus kinase 1; minus strand). Cytogenetic location: 1p31.3.
Variant type: single nucleotide variant.
Coding change: c.1607T>A on transcript NM_002227.4 (MANE Select); coding-DNA position 1607, T replaced by A.
Protein change: p.Ile536Asn; replaces isoleucine 536 with asparagine.
Molecular consequence: missense variant.
Genome position (GRCh38, 1-based): chr1:64,855,550, A>T on the plus strand (T>A on the coding strand, the complement: JAK1 is on the minus strand). VCF-style: chr1-64855550-A-T. GRCh37 (hg19) VCF-style: chr1-65321233-A-T.
Other names: c.1607T>A, p.Ile536Asn (NM_001320923.2, NM_001321852.2, NM_001321853.2 and 3 more transcripts); c.1604T>A, p.Ile535Asn (NM_001321857.2); short protein forms I535N, I536N.
Identifiers: ClinVar variation 3624235 (VCV003624235.2).

ClinVar aggregate classification (germline): Uncertain significance (1 of 4 stars; one submission).

gnomAD v4.1: 29 of 1,614,010 alleles (0.0018%); highest among the groups gnomAD compares: Non-Finnish European, 0.0022%; no homozygotes.

Submission:

Labcorp Genetics (formerly Invitae), Labcorp
Classification: Uncertain significance. Last evaluated: 2025-12-21. Review status: criteria provided, single submitter. Criteria: Invitae Variant Classification Sherloc (09022015). Collection method: clinical testing. Allele origin: germline.
Comment: This sequence change replaces isoleucine, which is neutral and non-polar, with asparagine, which is neutral and polar, at codon 536 of the JAK1 protein (p.Ile536Asn). This variant is present in population databases (rs768472936, gnomAD 0.004%). This variant has not been reported in the literature in individuals affected with JAK1-related conditions. ClinVar contains an entry for this variant (Variation ID: 3624235). Invitae Evidence Modeling of protein sequence and biophysical properties (such as structural, functional, and spatial information, amino acid conservation, physicochemical variation, residue mobility, and thermodynamic stability) indicates that this missense variant is not expected to disrupt JAK1 protein function with a negative predictive value of 80%. In summary, the available evidence is currently insufficient to determine the role of this variant in disease. Therefore, it has been classified as a Variant of Uncertain Significance.